The following is an entry in ClinVar:

ClinVar aggregate classification (germline): Uncertain significance (1 of 4 stars; one submission).

Conditions:
Hereditary cancer-predisposing syndrome. Also called: Tumor predisposition; Neoplastic Syndromes, Hereditary; Hereditary Cancer Syndrome; Hereditary neoplastic syndrome. Identifiers: Orphanet 140162, MedGen C0027672, MeSH D009386, MONDO:0015356.

Submission:

Color Diagnostics, LLC DBA Color Health
Classification: Uncertain significance for Hereditary cancer-predisposing syndrome. Last evaluated: 2023-12-11. Review status: criteria provided, single submitter. Criteria: ACMG Guidelines, 2015. Collection method: clinical testing. Allele origin: germline.
Comment: This missense variant replaces isoleucine with serine at codon 2250 of the ATM protein. Computational prediction suggests that this variant may not impact protein structure and function (internally defined REVEL score threshold <= 0.5, PMID: 27666373). To our knowledge, functional studies have not been reported for this variant. This variant has not been reported in individuals affected with ATM-related disorders in the literature. This variant has not been identified in the general population by the Genome Aggregation Database (gnomAD). The available evidence is insufficient to determine the role of this variant in disease conclusively. Therefore, this variant is classified as a Variant of Uncertain Significance.

NM_000051.4(ATM):c.6749T>G (p.Ile2250Ser)

Genes: ATM (ATM serine/threonine kinase; plus strand), C11orf65 (chromosome 11 open reading frame 65; minus strand). Cytogenetic location: 11q22.3.
Variant type: single nucleotide variant.
Coding change: c.6749T>G on transcript NM_000051.4 (MANE Select); coding-DNA position 6749, T replaced by G.
Protein change: p.Ile2250Ser; replaces isoleucine 2250 with serine.
Molecular consequence: missense variant. On other transcripts: intron variant (2).
Genome position (GRCh38, 1-based): chr11:108,325,486, T>G. VCF-style: chr11-108325486-T-G. GRCh37 (hg19) VCF-style: chr11-108196213-T-G.
Other names: c.6749T>G, p.Ile2250Ser (NM_001351834.2); c.641-16415A>C (NM_001330368.2); c.*38+9734A>C (NM_001351110.2); short protein forms I2250S.
Identifiers: ClinVar variation 2774703 (VCV002774703.1), dbSNP rs2136316103, ClinGen allele CA382555255.
Genomic context (GRCh38, chr11:108,325,486, plus strand): 5'-TTTTGGAGATCCTGATGGAAAAGGAAATGGACAACTCACAAAGAGAATGTATTAAGGACA[T>G]TCTCACCAAACACCTTGTAGAACTCTCTATACTGGCCAGAACTTTCAAGAACACTCAGGT-3'
Protein context (NP_000042.3, residues 2240-2260): DNSQRECIKD[Ile2250Ser]LTKHLVELSI